The following is an entry in ClinVar:

NM_000529.2(MC2R):c.831C>A (p.Ala277=)

Gene: MC2R (melanocortin 2 receptor; minus strand). Cytogenetic location: 18p11.21.
Variant type: single nucleotide variant.
Coding change: c.831C>A on transcript NM_000529.2 (MANE Select); coding-DNA position 831, C replaced by A.
Protein change: p.Ala277=; no amino-acid change (alanine 277 retained).
Molecular consequence: synonymous variant.
Genome position (GRCh38, 1-based): chr18:13,884,688, G>T on the plus strand (C>A on the coding strand, the complement: MC2R is on the minus strand). VCF-style: chr18-13884688-G-T. GRCh37 (hg19) VCF-style: chr18-13884687-G-T.
Other names: c.831C>A, p.Ala277= (NM_001291911.1).
Identifiers: ClinVar variation 3047331 (VCV003047331.2), dbSNP rs754718068, ClinGen allele CA503010677.
Genomic context (GRCh38, chr18:13,884,688, plus strand): 5'-CCAGTACCTGCTGCAGAAGATCATCTTTTTGAATGCGTCCCTGAGCTCTGGGCTCCGGAA[G>T]GCATATATGAAGGGGTCAATGACGGCATTGCACATGATCAACATGCCGTTCACCTGGAAG-3'
Protein context (NP_000520.1, residues 267-287): CNAVIDPFIY[Ala277=]FRSPELRDAF

ClinVar aggregate classification (germline): Likely benign (0 of 4 stars; one submission).

Conditions:
MC2R-related disorder. Also called: MC2R-related condition.

Submission:

PreventionGenetics, part of Exact Sciences
Classification: Likely benign for MC2R-related condition. Last evaluated: 2019-02-21. Review status: no assertion criteria provided. Collection method: clinical testing. Allele origin: germline.
Comment: This variant is classified as likely benign based on ACMG/AMP sequence variant interpretation guidelines (Richards et al. 2015 PMID: 25741868, with internal and published modifications).